The following is an entry in ClinVar:

NM_000161.3(GCH1):c.344-1G>A

Gene: GCH1 (GTP cyclohydrolase 1; minus strand). Cytogenetic location: 14q22.2.
Variant type: single nucleotide variant.
Coding change: c.344-1G>A on transcript NM_000161.3 (MANE Select); the canonical splice acceptor site of the intron before coding-DNA position 344, G replaced by A.
Molecular consequence: splice acceptor variant.
Genome position (GRCh38, 1-based): chr14:54,865,437, C>T on the plus strand (G>A on the coding strand, the complement: GCH1 is on the minus strand). VCF-style: chr14-54865437-C-T. GRCh37 (hg19) VCF-style: chr14-55332155-C-T.
Other names: c.344-1G>A (NM_001024071.2, NM_001024070.2, NM_001024024.2).
Identifiers: ClinVar variation 529413 (VCV000529413.11), dbSNP rs1555360050, ClinGen allele CA389790328.

ClinVar aggregate classification (germline): Pathogenic. Review status: criteria provided, multiple submitters, no conflicts (2 of 4 stars). 2 submissions from 2 submitters: Pathogenic (2). Last evaluated 2024-01-11.

Conditions:
GTP cyclohydrolase I deficiency. Identifiers: MedGen C0268467, MONDO:0100184.
Dystonia 5 (DRD). Also called: Dystonia, DOPA-responsive, with or without hyperphenylalaninemia; DYT-GCH1; DYSTONIA, PROGRESSIVE, WITH DIURNAL VARIATION; DYSTONIA-PARKINSONISM WITH DIURNAL FLUCTUATION; GTP Cyclohydrolase 1-Deficient Dopa-Responsive Dystonia. Identifiers: Orphanet 98808, MedGen C1851920, MONDO:0007495, OMIM 128230.
Dystonic disorder. Also called: Dystonia. Identifiers: MedGen C0013421, MONDO:0003441, HP:0001332.

Submissions (2):

Unidad de Genómica Garrahan, Hospital de Pediatría Garrahan
Classification: Pathogenic for Dystonic disorder. Last evaluated: 2024-01-11. Review status: criteria provided, single submitter. Criteria: ACMG Guidelines, 2015. Collection method: clinical testing. Allele origin: germline. Affected: yes.

Labcorp Genetics (formerly Invitae), Labcorp
Classification: Pathogenic for GTP cyclohydrolase I deficiency; Dystonia 5. Last evaluated: 2017-09-24. Review status: criteria provided, single submitter. Criteria: Invitae Variant Classification Sherloc (09022015). Collection method: clinical testing. Allele origin: germline.
Comment: For these reasons, this variant has been classified as Pathogenic. Donor and acceptor splice site variants typically lead to a loss of protein function (PMID: 16199547), and loss-of-function variants in GCH1 are known to be pathogenic (PMID: 19491146). Experimental studies have shown that this acceptor splice site variant leads to skipping of exon 2 and reduced mRNA expresssion (PMID: 8619546). This variant has been reported in individuals affected with dystonia (PMID: 8619546, Invitae). This variant is not present in population databases (ExAC no frequency). This sequence change affects an acceptor splice site in intron 1 of the GCH1 gene. It is expected to disrupt RNA splicing and likely results in an absent or disrupted protein product.

Literature cited by the submitters: PubMed 16199547 (cited by Labcorp Genetics (formerly Invitae), Labcorp); PubMed 19491146 (cited by Labcorp Genetics (formerly Invitae), Labcorp); PubMed 8619546 (cited by Labcorp Genetics (formerly Invitae), Labcorp).